The following is an entry in ClinVar:

NM_000257.4(MYH7):c.1513G>A (p.Gly505Ser)

Gene: MYH7 (myosin heavy chain 7; minus strand). Cytogenetic location: 14q11.2.
Variant type: single nucleotide variant.
Coding change: c.1513G>A on transcript NM_000257.4 (MANE Select); coding-DNA position 1513, G replaced by A.
Protein change: p.Gly505Ser; replaces glycine 505 with serine.
Molecular consequence: missense variant.
Genome position (GRCh38, 1-based): chr14:23,428,565, C>T on the plus strand (G>A on the coding strand, the complement: MYH7 is on the minus strand). VCF-style: chr14-23428565-C-T. GRCh37 (hg19) VCF-style: chr14-23897774-C-T.
Other names: short protein forms G505S.
Identifiers: ClinVar variation 1524987 (VCV001524987.8), dbSNP rs2138674084, ClinGen allele CA389050428.
Genomic context (GRCh38, chr14:23,428,565, plus strand): 5'-CGATGAGGTCAATGCAGGCCTGCAGGTCCATGCCAAAGTCAATGAATGTCCACTCGATGC[C>T]CTCCTTCTTGTACTCCTCCTGCTCCAGCACAAACATGTGGTGGTTGAAGAACTGCTGCAG-3'
Protein context (NP_000248.2, residues 495-515): VLEQEEYKKE[Gly505Ser]IEWTFIDFGM

ClinVar aggregate classification (germline): Uncertain significance (1 of 4 stars; one submission).

Conditions:
Hypertrophic cardiomyopathy. Also called: HYPERTROPHIC MYOCARDIOPATHY. Identifiers: Orphanet 217569, MedGen C0007194, MeSH D002312, MONDO:0005045, HP:0001639.

Submission:

Labcorp Genetics (formerly Invitae), Labcorp
Classification: Uncertain significance for Hypertrophic cardiomyopathy. Last evaluated: 2021-09-11. Review status: criteria provided, single submitter. Criteria: Invitae Variant Classification Sherloc (09022015). Collection method: clinical testing. Allele origin: germline.
Comment: This sequence change replaces glycine with serine at codon 505 of the MYH7 protein (p.Gly505Ser). The glycine residue is highly conserved and there is a small physicochemical difference between glycine and serine. This variant is not present in population databases (ExAC no frequency). This variant has not been reported in the literature in individuals with MYH7-related conditions. Algorithms developed to predict the effect of missense changes on protein structure and function (SIFT, PolyPhen-2, Align-GVGD) all suggest that this variant is likely to be disruptive, but these predictions have not been confirmed by published functional studies and their clinical significance is uncertain. This variant is found within a region of MYH7 between codons 181 and 937 that contains the majority of the myosin head domain. Missense variants in this region have been shown to be significantly overrepresented in individuals with hypertrophic cardiomyopathy (PMID: 27532257). In summary, the available evidence is currently insufficient to determine the role of this variant in disease. Therefore, it has been classified as a Variant of Uncertain Significance.

Literature cited by the submitters: PubMed 27532257.